The following is an entry in ClinVar:

ClinVar aggregate classification (germline): Uncertain significance. Review status: criteria provided, multiple submitters, no conflicts (2 of 4 stars). 2 submissions from 2 submitters: Uncertain significance (2). Last evaluated 2025-08-10.

Allele frequency attached by ClinVar (database versions not stated): TOPMed below 0.00001; ExAC 0.00001; gnomAD 0.00001; ESP Exome Variant Server 0.00008.
gnomAD v4.1: 11 of 1,614,086 alleles (0.00068%); highest among the groups gnomAD compares: Admixed American, 0.0017%; no homozygotes.

Submissions (2):

Ambry Genetics
Classification: Uncertain significance. Last evaluated: 2025-08-10. Review status: criteria provided, single submitter. Criteria: Ambry Variant Classification Scheme 2023. Collection method: clinical testing. Allele origin: germline.

Labcorp Genetics (formerly Invitae), Labcorp
Classification: Uncertain significance. Last evaluated: 2024-10-17. Review status: criteria provided, single submitter. Criteria: Invitae Variant Classification Sherloc (09022015). Collection method: clinical testing. Allele origin: germline.
Comment: This sequence change replaces threonine, which is neutral and polar, with lysine, which is basic and polar, at codon 488 of the CEP97 protein (p.Thr488Lys). This variant is present in population databases (rs368224122, gnomAD 0.003%). This variant has not been reported in the literature in individuals affected with CEP97-related conditions. ClinVar contains an entry for this variant (Variation ID: 1976818). Invitae Evidence Modeling of protein sequence and biophysical properties (such as structural, functional, and spatial information, amino acid conservation, physicochemical variation, residue mobility, and thermodynamic stability) indicates that this missense variant is not expected to disrupt CEP97 protein function with a negative predictive value of 80%. In summary, the available evidence is currently insufficient to determine the role of this variant in disease. Therefore, it has been classified as a Variant of Uncertain Significance.

NM_024548.4(CEP97):c.1463C>A (p.Thr488Lys)

Gene: CEP97 (centrosomal protein 97; plus strand). Cytogenetic location: 3q12.3.
Variant type: single nucleotide variant.
Coding change: c.1463C>A on transcript NM_024548.4 (MANE Select); coding-DNA position 1463, C replaced by A.
Protein change: p.Thr488Lys; replaces threonine 488 with lysine.
Molecular consequence: missense variant.
Genome position (GRCh38, 1-based): chr3:101,758,069, C>A. VCF-style: chr3-101758069-C-A. GRCh37 (hg19) VCF-style: chr3-101476913-C-A.
Other names: c.1286C>A, p.Thr429Lys (NM_001303401.2); c.1361C>A, p.Thr454Lys (NM_001410784.1); c.1184C>A, p.Thr395Lys (NM_001410785.1); c.1463C>A (NM_024548.2); short protein forms T429K, T488K, T395K, T454K.
Identifiers: ClinVar variation 1976818 (VCV001976818.6), dbSNP rs368224122, ClinGen allele CA2522132.